The following is an entry in ClinVar:

NM_002872.5(RAC2):c.560G>A (p.Arg187His)

Gene: RAC2 (Rac family small GTPase 2; minus strand). Cytogenetic location: 22q13.1.
Variant type: single nucleotide variant.
Coding change: c.560G>A on transcript NM_002872.5 (MANE Select); coding-DNA position 560, G replaced by A.
Protein change: p.Arg187His; replaces arginine 187 with histidine.
Molecular consequence: missense variant.
Genome position (GRCh38, 1-based): chr22:37,226,692, C>T on the plus strand (G>A on the coding strand, the complement: RAC2 is on the minus strand). VCF-style: chr22-37226692-C-T. GRCh37 (hg19) VCF-style: chr22-37622732-C-T.
Other names: short protein forms R187H.
Identifiers: ClinVar variation 1006066 (VCV001006066.7), dbSNP rs1489649391, ClinGen allele CA411441690.
Genomic context (GRCh38, chr22:37,226,692, plus strand): 5'-TGTGTATGGGAGTTGGGCACTAGAGTGGGGGACTCTTACCCCTAGAGGAGGCTGCAGGCG[C>T]GCTTCTGCTGCCGCGTGGGCTGAGGGCACAGCACGGCCCGGATGGCCTCGTCGAACACGG-3'
Protein context (NP_002863.1, residues 177-192): LCPQPTRQQK[Arg187His]ACSLL

ClinVar aggregate classification (germline): Uncertain significance (1 of 4 stars; one submission).

Conditions:
Neutrophil immunodeficiency syndrome. Also called: Immunodeficiency 73A with defective neutrophil chemotaxis and leukocytosis. Identifiers: Orphanet 183707, MedGen C1842398, MONDO:0011988, OMIM 608203.

Allele frequency attached by ClinVar (database versions not stated): gnomAD exomes below 0.00001 and 0.00001; TOPMed 0.00001; gnomAD 0.00002.
gnomAD v4.1: 19 of 1,612,834 alleles (0.0012%); highest among the groups gnomAD compares: African/African-American, 0.004%; no homozygotes.

Submission:

Labcorp Genetics (formerly Invitae), Labcorp
Classification: Uncertain significance for Neutrophil immunodeficiency syndrome. Last evaluated: 2024-06-24. Review status: criteria provided, single submitter. Criteria: Invitae Variant Classification Sherloc (09022015). Collection method: clinical testing. Allele origin: germline.
Comment: This sequence change replaces arginine, which is basic and polar, with histidine, which is basic and polar, at codon 187 of the RAC2 protein (p.Arg187His). This variant is present in population databases (no rsID available, gnomAD 0.0009%). This variant has not been reported in the literature in individuals affected with RAC2-related conditions. ClinVar contains an entry for this variant (Variation ID: 1006066). Advanced modeling of protein sequence and biophysical properties (such as structural, functional, and spatial information, amino acid conservation, physicochemical variation, residue mobility, and thermodynamic stability) performed at Invitae indicates that this missense variant is not expected to disrupt RAC2 protein function with a negative predictive value of 95%. In summary, the available evidence is currently insufficient to determine the role of this variant in disease. Therefore, it has been classified as a Variant of Uncertain Significance.